The following is an entry in ClinVar:

ClinVar aggregate classification (germline): Uncertain significance (1 of 4 stars; one submission).

Submission:

GeneDx
Classification: Uncertain significance. Last evaluated: 2025-02-25. Review status: criteria provided, single submitter. Criteria: GeneDx Variant Classification Process June 2021. Collection method: clinical testing. Allele origin: germline. Affected: yes.
Comment: Not observed at significant frequency in large population cohorts (gnomAD); Nucleotide is not conserved across species and the substitution has no predicted effect on splicing; Has not been previously published as pathogenic or benign to our knowledge; Alters the Kozak sequence, which plays a major role in the initiation of translation

NM_138395.4(MARS2):c.-2C>G

Genes: MARS2 (methionyl-tRNA synthetase 2, mitochondrial; plus strand), LOC129935364 (ATAC-STARR-seq lymphoblastoid silent region 12216; plus strand). Cytogenetic location: 2q33.1.
Variant type: single nucleotide variant.
Coding change: c.-2C>G on transcript NM_138395.4 (MANE Select); 2 bases upstream of the start codon, C replaced by G.
Molecular consequence: 5 prime UTR variant.
Genome position (GRCh38, 1-based): chr2:197,705,404, C>G. VCF-style: chr2-197705404-C-G. GRCh37 (hg19) VCF-style: chr2-198570128-C-G.
Identifiers: ClinVar variation 4076828 (VCV004076828.1).